The following is an entry in ClinVar:

ClinVar aggregate classification (germline): Uncertain significance. Review status: criteria provided, multiple submitters, no conflicts (2 of 4 stars). 3 submissions from 3 submitters: Uncertain significance (2). 1 of the submissions does not count toward it. Last evaluated 2026-01-21.

Conditions:
Werner syndrome (WRN). Identifiers: Orphanet 902, MedGen C0043119, MONDO:0010196, OMIM 277700.

Allele frequency attached by ClinVar (database versions not stated): TOPMed 0.00001; gnomAD 0.00002 and 0.00004; ExAC 0.00003; gnomAD exomes 0.00003.
gnomAD v4.1: 47 of 1,600,210 alleles (0.0029%); highest among the groups gnomAD compares: Middle Eastern, 0.033%; no homozygotes.

Submissions (3):

Labcorp Genetics (formerly Invitae), Labcorp
Classification: Uncertain significance for Werner syndrome. Last evaluated: 2026-01-21. Review status: criteria provided, single submitter. Criteria: Invitae Variant Classification Sherloc (09022015). Collection method: clinical testing. Allele origin: germline.
Comment: This sequence change replaces serine, which is neutral and polar, with leucine, which is neutral and non-polar, at codon 1084 of the WRN protein (p.Ser1084Leu). This variant is present in population databases (rs587778748, gnomAD 0.01%). This variant has not been reported in the literature in individuals affected with WRN-related conditions. ClinVar contains an entry for this variant (Variation ID: 135430). An algorithm developed to predict the effect of missense changes on protein structure and function outputs the following: PolyPhen-2: "Benign". The leucine amino acid residue is found in multiple mammalian species, which suggests that this missense change does not adversely affect protein function. RNA analysis performed to evaluate the impact of this missense change on mRNA splicing indicates it does not significantly alter splicing (internal data). In summary, the available evidence is currently insufficient to determine the role of this variant in disease. Therefore, it has been classified as a Variant of Uncertain Significance.

Fulgent Genetics
Classification: Uncertain significance for Werner syndrome. Last evaluated: 2024-02-17. Review status: criteria provided, single submitter. Criteria: ACMG Guidelines, 2015. Collection method: clinical testing. Allele origin: germline.

ITMI
No classification provided. Condition: AllHighlyPenetrant. Last evaluated: 2013-09-19. Review status: no classification provided. Collection method: reference population. Allele origin: germline. Not counted in ClinVar's aggregate classification.
Comment: Please see associated publication for description of ethnicities

Literature cited by the submitters: PubMed 24728327 (cited by ITMI).

NM_000553.6(WRN):c.3251C>T (p.Ser1084Leu)

Gene: WRN (WRN RecQ like helicase; plus strand). Cytogenetic location: 8p12.
Variant type: single nucleotide variant.
Coding change: c.3251C>T on transcript NM_000553.6 (MANE Select); coding-DNA position 3251, C replaced by T.
Protein change: p.Ser1084Leu; replaces serine 1084 with leucine.
Molecular consequence: missense variant.
Genome position (GRCh38, 1-based): chr8:31,142,643, C>T. VCF-style: chr8-31142643-C-T. GRCh37 (hg19) VCF-style: chr8-31000159-C-T.
Other names: short protein forms S1084L.
Identifiers: ClinVar variation 135430 (VCV000135430.9), dbSNP rs587778748, ClinGen allele CA162740.
Genomic context (GRCh38, chr8:31,142,643, plus strand): 5'-TGCATCTTAACATTTGAAATAATTTAATTTTATTATTTTTTAGTTCGAAAACTGTATCTT[C>T]GGGCACCAAAGAGCATTGTTATAATCAAGTACCAGTTGAATTAAGTACAGAGAAGAAGGT-3'
Protein context (NP_000544.2, residues 1074-1094): LLLPSSKTVS[Ser1084Leu]GTKEHCYNQV